The following is an entry in ClinVar:

NM_000719.7(CACNA1C):c.4927C>A (p.Pro1643Thr)

Genes: CACNA1C (calcium voltage-gated channel subunit alpha1 C; plus strand), CACNA1C-AS1 (CACNA1C antisense RNA 1; minus strand). Cytogenetic location: 12p13.33.
Variant type: single nucleotide variant.
Coding change: c.4927C>A on transcript NM_000719.7 (MANE Select); coding-DNA position 4927, C replaced by A.
Protein change: p.Pro1643Thr; replaces proline 1643 with threonine.
Molecular consequence: missense variant. On other transcripts: non-coding transcript variant (1).
Genome position (GRCh38, 1-based): chr12:2,677,192, C>A. VCF-style: chr12-2677192-C-A. GRCh37 (hg19) VCF-style: chr12-2786358-C-A.
Other names: c.4951C>A, p.Pro1651Thr (NM_001129838.2, NM_001129837.2); c.4945C>A, p.Pro1649Thr (NM_001129839.2); c.4927C>A, p.Pro1643Thr (NM_001129840.2, NM_001129841.2, NM_001129842.2 and 4 more transcripts); c.4918C>A, p.Pro1640Thr (NM_001129844.2); c.4894C>A, p.Pro1632Thr (NM_001129846.2, NM_001167625.2); c.5071C>A, p.Pro1691Thr (NM_199460.4, NM_001129827.2); c.5050C>A, p.Pro1684Thr (NM_001129829.2); c.5011C>A, p.Pro1671Thr (NM_001129831.2); and 3 more; short protein forms P1632T, P1662T, P1663T, P1643T, P1651T, P1660T, P1649T, P1671T.
Identifiers: ClinVar variation 3696774 (VCV003696774.2).

ClinVar aggregate classification (germline): Uncertain significance (1 of 4 stars; one submission).

Conditions:
Long QT syndrome (LQTS). Identifiers: MedGen C0023976, MeSH D008133, MONDO:0002442. Disease mechanism: loss of function. Inheritance: Various modes of inheritance.

gnomAD v4.1: 1 of 1,613,688 alleles (0.000062%); highest among the groups gnomAD compares: Non-Finnish European, 0.000085%; no homozygotes.

Submission:

Labcorp Genetics (formerly Invitae), Labcorp
Classification: Uncertain significance for Long QT syndrome. Last evaluated: 2025-01-23. Review status: criteria provided, single submitter. Criteria: Invitae Variant Classification Sherloc (09022015). Collection method: clinical testing. Allele origin: germline.
Comment: This sequence change replaces proline, which is neutral and non-polar, with threonine, which is neutral and polar, at codon 1643 of the CACNA1C protein (p.Pro1643Thr). This variant is not present in population databases (gnomAD no frequency). This variant has not been reported in the literature in individuals affected with CACNA1C-related conditions. Invitae Evidence Modeling of protein sequence and biophysical properties (such as structural, functional, and spatial information, amino acid conservation, physicochemical variation, residue mobility, and thermodynamic stability) indicates that this missense variant is not expected to disrupt CACNA1C protein function with a negative predictive value of 95%. In summary, the available evidence is currently insufficient to determine the role of this variant in disease. Therefore, it has been classified as a Variant of Uncertain Significance.